The following is an entry in ClinVar:

ClinVar aggregate classification (germline): Benign/Likely benign. Review status: criteria provided, multiple submitters, no conflicts (2 of 4 stars). 8 submissions from 7 submitters: Benign (5); Likely benign (2). 1 of the submissions does not count toward it. Last evaluated 2026-02-02.

Conditions:
Joubert syndrome 24 (JBTS24). Identifiers: Orphanet 475, MedGen C4084841, MONDO:0014724, OMIM 616654.
Meckel-Gruber syndrome. Also called: DYSENCEPHALIA SPLANCHNOCYSTICA; GRUBER SYNDROME; Dysencephalia splachnocystica. Identifiers: Orphanet 564, MedGen C0265215, MONDO:0018921.
Joubert syndrome. Also called: CEREBELLOPARENCHYMAL DISORDER IV; Familial aplasia of the vermis; JOUBERT-BOLTSHAUSER SYNDROME. Identifiers: Orphanet 475, MedGen C5979921, MONDO:0018772.
Meckel syndrome, type 8. Identifiers: Orphanet 564, MedGen C3836857, MONDO:0013482, OMIM 613885.

Allele frequency attached by ClinVar (database versions not stated): ESP Exome Variant Server 0.00038; gnomAD 0.00188; TOPMed 0.00440; 1000 Genomes Project 0.00819; 1000 Genomes Project 30x 0.00906.
gnomAD v4.1: 3,118 of 1,614,204 alleles (0.19%); highest among the groups gnomAD compares: Admixed American, 4.2%; 74 homozygotes.

Submissions (8):

Labcorp Genetics (formerly Invitae), Labcorp
Classification: Benign for Joubert syndrome; Meckel-Gruber syndrome. Last evaluated: 2026-02-02. Review status: criteria provided, single submitter. Criteria: Invitae Variant Classification Sherloc (09022015). Collection method: clinical testing. Allele origin: germline.

Mayo Clinic Laboratories, Mayo Clinic
Classification: Benign. Last evaluated: 2024-06-12. Review status: criteria provided, single submitter. Criteria: ACMG Guidelines, 2015. Collection method: clinical testing. Allele origin: germline. Observed: 3 variant alleles.
Comment: BS1, BS2, BP4, BP7

Illumina Laboratory Services, Illumina
Classification: Likely benign for Meckel syndrome, type 8. Last evaluated: 2018-01-12. Review status: criteria provided, single submitter. Criteria: ICSL Variant Classification Criteria 13 December 2019. Collection method: clinical testing. Allele origin: germline.
Comment: This variant was observed in the ICSL laboratory as part of a predisposition screen in an ostensibly healthy population. It had not been previously curated by ICSL or reported in the Human Gene Mutation Database (HGMD: prior to June 1st, 2018), and was therefore a candidate for classification through an automated scoring system. Utilizing variant allele frequency, disease prevalence and penetrance estimates, and inheritance mode, an automated score was calculated to assess if this variant is too frequent to cause the disease. Based on the score and internal cut-off values, a variant classified as likely benign is not then subjected to further curation. The score for this variant resulted in a classification of likely benign for this disease.

Illumina Laboratory Services, Illumina
Classification: Benign for Joubert syndrome 24. Last evaluated: 2018-01-12. Review status: criteria provided, single submitter. Criteria: ICSL Variant Classification Criteria 13 December 2019. Collection method: clinical testing. Allele origin: germline.
Comment: This variant was observed in the ICSL laboratory as part of a predisposition screen in an ostensibly healthy population. It had not been previously curated by ICSL or reported in the Human Gene Mutation Database (HGMD: prior to June 1st, 2018), and was therefore a candidate for classification through an automated scoring system. Utilizing variant allele frequency, disease prevalence and penetrance estimates, and inheritance mode, an automated score was calculated to assess if this variant is too frequent to cause the disease. Based on the score and internal cut-off values, a variant classified as benign is not then subjected to further curation. The score for this variant resulted in a classification of benign for this disease.

GeneDx
Classification: Benign. Last evaluated: 2016-06-17. Review status: criteria provided, single submitter. Criteria: GeneDx Variant Classification (06012015). Collection method: clinical testing. Allele origin: germline. Affected: yes.
Comment: This variant is considered likely benign or benign based on one or more of the following criteria: it is a conservative change, it occurs at a poorly conserved position in the protein, it is predicted to be benign by multiple in silico algorithms, and/or has population frequency not consistent with disease.

Breakthrough Genomics
Classification: Likely benign. Review status: criteria provided, single submitter. Criteria: ACMG Guidelines, 2015. Collection method: not provided. Allele origin: germline. Inheritance: Autosomal recessive inheritance. Affected: yes.

PreventionGenetics, part of Exact Sciences
Classification: Benign. Review status: criteria provided, single submitter. Criteria: ACMG Guidelines, 2015. Collection method: clinical testing. Allele origin: germline.

Genetic Services Laboratory, University of Chicago
Classification: Likely benign for AllHighlyPenetrant. Review status: no assertion criteria provided. Collection method: clinical testing. Allele origin: germline. Inheritance: Autosomal recessive inheritance. Observed: 3 variant alleles. Not counted in ClinVar's aggregate classification.
Comment: Likely benign based on allele frequency in 1000 Genomes Project or ESP global frequency and its presence in a patient with a rare or unrelated disease phenotype. NOT Sanger confirmed.

NM_024809.5(TCTN2):c.654C>T (p.Leu218=)

Gene: TCTN2 (tectonic family member 2; plus strand). Cytogenetic location: 12q24.31.
Variant type: single nucleotide variant.
Coding change: c.654C>T on transcript NM_024809.5 (MANE Select); coding-DNA position 654, C replaced by T.
Protein change: p.Leu218=; no amino-acid change (leucine 218 retained).
Molecular consequence: synonymous variant.
Genome position (GRCh38, 1-based): chr12:123,686,925, C>T. VCF-style: chr12-123686925-C-T. GRCh37 (hg19) VCF-style: chr12-124171472-C-T.
Other names: p.Leu218=; c.651C>T, p.Leu217= (NM_001143850.3).
Identifiers: ClinVar variation 126289 (VCV000126289.23), dbSNP rs138897437, ClinGen allele CA150966.